The following is an entry in ClinVar:

ClinVar aggregate classification (germline): Pathogenic (1 of 4 stars; one submission).

Submission:

Labcorp Genetics (formerly Invitae), Labcorp
Classification: Pathogenic. Last evaluated: 2023-03-07. Review status: criteria provided, single submitter. Criteria: Invitae Variant Classification Sherloc (09022015). Collection method: clinical testing. Allele origin: germline.
Comment: For these reasons, this variant has been classified as Pathogenic. This variant has not been reported in the literature in individuals affected with FRAS1-related conditions. This variant is not present in population databases (gnomAD no frequency). This sequence change creates a premature translational stop signal (p.Arg2126Alafs*4) in the FRAS1 gene. It is expected to result in an absent or disrupted protein product. Loss-of-function variants in FRAS1 are known to be pathogenic (PMID: 12766769, 18671281).

Literature cited by the submitters: PubMed 12766769; PubMed 18671281.

NM_025074.7(FRAS1):c.6372del (p.Arg2126fs)

Gene: FRAS1 (Fraser extracellular matrix complex subunit 1; plus strand). Cytogenetic location: 4q21.21.
Variant type: Deletion.
Coding change: c.6372del on transcript NM_025074.7 (MANE Select); coding-DNA position 6372, one base deleted (A; older notation c.6372delA).
Protein change: p.Arg2126fs; shifts the reading frame from arginine 2126.
Molecular consequence: frameshift variant.
Genome position (GRCh38, 1-based): chr4:78,450,248, A deleted. VCF-style (leftmost placement, unchanged base first): chr4-78450247-CA-C. GRCh37 (hg19) VCF-style: chr4-79371401-CA-C.
Other names: short protein forms R2126fs.
Identifiers: ClinVar variation 2843591 (VCV002843591.3), dbSNP rs2477231084, ClinGen allele CA2739270111.